The following is an entry in ClinVar:

ClinVar aggregate classification (germline): Uncertain significance (1 of 4 stars; one submission).

Conditions:
Inborn genetic diseases. Identifiers: MedGen C0950123, MeSH D030342.

Submission:

Ambry Genetics
Classification: Uncertain significance for Inborn genetic diseases. Last evaluated: 2026-01-17. Review status: criteria provided, single submitter. Criteria: Ambry Variant Classification Scheme 2023. Collection method: clinical testing. Allele origin: germline.
Comment: The p.P993S variant (also known as c.2977C>T), located in coding exon 21 of the MIB1 gene, results from a C to T substitution at nucleotide position 2977. The proline at codon 993 is replaced by serine, an amino acid with similar properties. This amino acid position is conserved. In addition, this alteration is predicted to be deleterious by in silico analysis. Based on the available evidence, the clinical significance of this variant remains unclear.

NM_020774.4(MIB1):c.2977C>T (p.Pro993Ser)

Gene: MIB1 (MIB E3 ubiquitin protein ligase 1; plus strand). Cytogenetic location: 18q11.2.
Variant type: single nucleotide variant.
Coding change: c.2977C>T on transcript NM_020774.4 (MANE Select); coding-DNA position 2977, C replaced by T.
Protein change: p.Pro993Ser; replaces proline 993 with serine.
Molecular consequence: missense variant.
Genome position (GRCh38, 1-based): chr18:21,864,622, C>T. VCF-style: chr18-21864622-C-T. GRCh37 (hg19) VCF-style: chr18-19444583-C-T.
Other names: short protein forms P993S.
Identifiers: ClinVar variation 4844687 (VCV004844687.1).